The following is an entry in ClinVar:

ClinVar aggregate classification (germline): Pathogenic/Likely pathogenic. Review status: criteria provided, multiple submitters, no conflicts (2 of 4 stars). 2 submissions from 2 submitters: Pathogenic (1); Likely pathogenic (1). Last evaluated 2026-08-06.

Conditions:
Anauxetic dysplasia 2 (ANXD2). Identifiers: MedGen C4479357, MONDO:0054561, OMIM 617396.

Allele frequency attached by ClinVar (database versions not stated): gnomAD exomes below 0.00001; ExAC 0.00001.
gnomAD v4.1: 3 of 1,613,732 alleles (0.00019%); highest among the groups gnomAD compares: African/African-American, 0.0013%; no homozygotes.

Submissions (2):

OLLIN Analises Genomicas, OLLIN
Classification: Likely pathogenic for Anauxetic dysplasia 2. Last evaluated: 2026-08-06. Review status: criteria provided, single submitter. Criteria: ACMG Guidelines 2015 PMID 25741868. Collection method: clinical testing. Allele origin: germline.
Comment: This nonsense variant, located in exon 14 (of 16), has been reported in ClinVar (accession VCV002125742.4) and in gnomAD with an allele frequency of 0.00019%. However, to our knowledge, it has not been reported in the scientific literature. This variant introduces a premature stop codon, which is predicted to result in either a truncated protein or degradation of the mRNA via nonsense-mediated decay (NMD). According to the currently available evidence, this variant has been classified as likely pathogenic (PVS1, PM2_P).

Labcorp Genetics (formerly Invitae), Labcorp
Classification: Pathogenic. Last evaluated: 2025-09-08. Review status: criteria provided, single submitter. Criteria: Invitae Variant Classification Sherloc (09022015). Collection method: clinical testing. Allele origin: germline.
Comment: This sequence change creates a premature translational stop signal (p.Arg637*) in the POP1 gene. It is expected to result in an absent or disrupted protein product. Loss-of-function variants in POP1 are known to be pathogenic (PMID: 21455487). This variant is present in population databases (rs750817485, gnomAD 0.005%). This variant has not been reported in the literature in individuals affected with POP1-related conditions. ClinVar contains an entry for this variant (Variation ID: 2125742). For these reasons, this variant has been classified as Pathogenic.

Literature cited by the submitters: PubMed 21455487 (cited by Labcorp Genetics (formerly Invitae), Labcorp).

NM_001145860.2(POP1):c.1909C>T (p.Arg637Ter)

Gene: POP1 (POP1 ribonuclease P/MRP subunit; plus strand). Cytogenetic location: 8q22.2.
Variant type: single nucleotide variant.
Coding change: c.1909C>T on transcript NM_001145860.2 (MANE Select); coding-DNA position 1909, C replaced by T.
Protein change: p.Arg637Ter; replaces arginine 637 with a stop codon.
Molecular consequence: nonsense.
Genome position (GRCh38, 1-based): chr8:98,150,491, C>T. VCF-style: chr8-98150491-C-T. GRCh37 (hg19) VCF-style: chr8-99162719-C-T.
Other names: c.1909C>T, p.Arg637Ter (NM_001145861.2, NM_015029.3); short protein forms R637*.
Identifiers: ClinVar variation 2125742 (VCV002125742.5), dbSNP rs750817485, ClinGen allele CA4820730.